The following is an entry in ClinVar:

NM_001112741.2(KCNC1):c.401C>T (p.Ala134Val)

Gene: KCNC1 (potassium voltage-gated channel subfamily C member 1; plus strand). Cytogenetic location: 11p15.1.
Variant type: single nucleotide variant.
Coding change: c.401C>T on transcript NM_001112741.2 (MANE Select); coding-DNA position 401, C replaced by T.
Protein change: p.Ala134Val; replaces alanine 134 with valine.
Molecular consequence: missense variant.
Genome position (GRCh38, 1-based): chr11:17,736,403, C>T. VCF-style: chr11-17736403-C-T. GRCh37 (hg19) VCF-style: chr11-17757950-C-T.
Other names: c.401C>T, p.Ala134Val (NM_004976.4); short protein forms A134V.
Identifiers: ClinVar variation 1983355 (VCV001983355.4), dbSNP rs906689195, ClinGen allele CA218496798.

ClinVar aggregate classification (germline): Uncertain significance (1 of 4 stars; one submission).

Conditions:
Progressive myoclonic epilepsy type 7. Identifiers: Orphanet 435438, MedGen C4015420, MONDO:0014521, OMIM 616187.

Allele frequency attached by ClinVar (database versions not stated): TOPMed 0.00001.

Submission:

Labcorp Genetics (formerly Invitae), Labcorp
Classification: Uncertain significance for Progressive myoclonic epilepsy type 7. Last evaluated: 2023-10-03. Review status: criteria provided, single submitter. Criteria: Invitae Variant Classification Sherloc (09022015). Collection method: clinical testing. Allele origin: germline.
Comment: This sequence change replaces alanine, which is neutral and non-polar, with valine, which is neutral and non-polar, at codon 134 of the KCNC1 protein (p.Ala134Val). This variant is not present in population databases (gnomAD no frequency). This variant has not been reported in the literature in individuals affected with KCNC1-related conditions. ClinVar contains an entry for this variant (Variation ID: 1983355). Advanced modeling of protein sequence and biophysical properties (such as structural, functional, and spatial information, amino acid conservation, physicochemical variation, residue mobility, and thermodynamic stability) performed at Invitae indicates that this missense variant is not expected to disrupt KCNC1 protein function. In summary, the available evidence is currently insufficient to determine the role of this variant in disease. Therefore, it has been classified as a Variant of Uncertain Significance.